The following is an entry in ClinVar:

ClinVar aggregate classification (germline): Uncertain significance (1 of 4 stars; one submission).

Conditions:
Hereditary cancer-predisposing syndrome. Also called: Tumor predisposition; Hereditary neoplastic syndrome; Hereditary Cancer Syndrome; Neoplastic Syndromes, Hereditary. Identifiers: Orphanet 140162, MedGen C0027672, MeSH D009386, MONDO:0015356.

Submission:

Ambry Genetics
Classification: Uncertain significance for Hereditary cancer-predisposing syndrome. Last evaluated: 2025-05-05. Review status: criteria provided, single submitter. Criteria: Ambry Variant Classification Scheme 2023. Collection method: clinical testing. Allele origin: germline.
Comment: The p.S193R variant (also known as c.579T>A), located in coding exon 6 of the PRKAR1A gene, results from a T to A substitution at nucleotide position 579. The serine at codon 193 is replaced by arginine, an amino acid with dissimilar properties. This amino acid position is conserved. In addition, this alteration is predicted to be deleterious by in silico analysis. Based on the available evidence, the clinical significance of this variant remains unclear.

NM_002734.5(PRKAR1A):c.579T>A (p.Ser193Arg)

Gene: PRKAR1A (protein kinase cAMP-dependent type I regulatory subunit alpha; plus strand). Cytogenetic location: 17q24.2.
Variant type: single nucleotide variant.
Coding change: c.579T>A on transcript NM_002734.5 (MANE Select); coding-DNA position 579, T replaced by A.
Protein change: p.Ser193Arg; replaces serine 193 with arginine.
Molecular consequence: missense variant.
Genome position (GRCh38, 1-based): chr17:68,525,783, T>A. VCF-style: chr17-68525783-T-A. GRCh37 (hg19) VCF-style: chr17-66521924-T-A.
Other names: c.579T>A, p.Ser193Arg (NM_001369389.1, NM_001369390.1, NM_212471.3 and 4 more transcripts); short protein forms S193R.
Identifiers: ClinVar variation 3938095 (VCV003938095.1).
Genomic context (GRCh38, chr17:68,525,783, plus strand): 5'-ATAAACTTTTTTGATGTCACTTGCACTTTAGGTCTATGTTAACAATGAATGGGCAACCAG[T>A]GTTGGGGAAGGAGGGAGCTTTGGAGAACTTGCTTTGATTTATGGAACACCGAGAGCAGCC-3'
Protein context (NP_002725.1, residues 183-203): DVYVNNEWAT[Ser193Arg]VGEGGSFGEL